The following is an entry in ClinVar:

ClinVar aggregate classification (germline): Benign/Likely benign. Review status: criteria provided, multiple submitters, no conflicts (2 of 4 stars). 6 submissions from 4 submitters: Benign (2); Likely benign (4). Last evaluated 2026-02-04.

Conditions:
Usher syndrome type 1 (USH1). Also called: RETINITIS PIGMENTOSA AND CONGENITAL DEAFNESS. Identifiers: Orphanet 231169, Orphanet 886, MedGen C1568247, MONDO:0010168, OMIM 276900.
Autosomal dominant nonsyndromic hearing loss 11. Identifiers: Orphanet 90635, MedGen C1832475, MONDO:0011032, OMIM 601317.
Autosomal recessive nonsyndromic hearing loss 2. Also called: DEAFNESS, AUTOSOMAL RECESSIVE 2; NEUROSENSORY NONSYNDROMIC RECESSIVE DEAFNESS 2. Identifiers: Orphanet 90636, MedGen C1838701, MONDO:0010807, OMIM 600060.

Allele frequency attached by ClinVar (database versions not stated): ESP Exome Variant Server 0.00236; TOPMed 0.00380; 1000 Genomes Project 30x 0.00453; 1000 Genomes Project 0.00499.
gnomAD v4.1: 10,796 of 1,613,342 alleles (0.67%); highest among the groups gnomAD compares: East Asian, 1%; 192 homozygotes.

Submissions (6):

Labcorp Genetics (formerly Invitae), Labcorp
Classification: Benign. Last evaluated: 2026-02-04. Review status: criteria provided, single submitter. Criteria: Invitae Variant Classification Sherloc (09022015). Collection method: clinical testing. Allele origin: germline.

Illumina Laboratory Services, Illumina
Classification: Likely benign for Autosomal recessive nonsyndromic hearing loss 2. Last evaluated: 2017-04-27. Review status: criteria provided, single submitter. Criteria: ICSL Variant Classification Criteria 13 December 2019. Collection method: clinical testing. Allele origin: germline.
Comment: This variant was observed as part of a predisposition screen in an ostensibly healthy population. A literature search was performed for the gene, cDNA change, and amino acid change (where applicable). No publications were found based on this search. Allele frequency data from public databases allowed determination this variant is unlikely to cause disease. Therefore, this variant is classified as likely benign.

Illumina Laboratory Services, Illumina
Classification: Likely benign for Autosomal dominant nonsyndromic hearing loss 11. Last evaluated: 2017-04-27. Review status: criteria provided, single submitter. Criteria: ICSL Variant Classification Criteria 13 December 2019. Collection method: clinical testing. Allele origin: germline.
Comment: the same text as in the submission from Illumina Laboratory Services, Illumina above.

Illumina Laboratory Services, Illumina
Classification: Likely benign for Usher syndrome type 1. Last evaluated: 2017-04-27. Review status: criteria provided, single submitter. Criteria: ICSL Variant Classification Criteria 13 December 2019. Collection method: clinical testing. Allele origin: germline.
Comment: the same text as in the submission from Illumina Laboratory Services, Illumina above.

Laboratory for Molecular Medicine, Mass General Brigham Personalized Medicine
Classification: Benign. Last evaluated: 2015-10-05. Review status: criteria provided, single submitter. Criteria: LMM Criteria. Collection method: clinical testing. Allele origin: germline. Observed: 8 variant alleles.
Comment: c.4568+12C>G in intron 34 of MYO7A: This variant is not expected to have clinica l significance because it is not located within the conserved splice consensus s equence. It has been identified in 8.6% (546/6314) of Finnish European chromosom es by the Exome Aggregation Consortium (ExAC; db SNP rs72933642).

Breakthrough Genomics
Classification: Likely benign. Review status: criteria provided, single submitter. Criteria: ACMG Guidelines, 2015. Collection method: not provided. Allele origin: germline. Inheritance: Autosomal recessive inheritance. Affected: yes.

NM_000260.4(MYO7A):c.4568+12C>G

Gene: MYO7A (myosin VIIA; plus strand). Cytogenetic location: 11q13.5.
Variant type: single nucleotide variant.
Coding change: c.4568+12C>G on transcript NM_000260.4 (MANE Select); 12 bases into the intron after coding-DNA position 4568, C replaced by G.
Molecular consequence: intron variant.
Genome position (GRCh38, 1-based): chr11:77,198,633, C>G. VCF-style: chr11-77198633-C-G. GRCh37 (hg19) VCF-style: chr11-76909678-C-G.
Other names: c.4535+12C>G (NM_001369365.1); c.4568+12C>G (NM_001127180.2).
Identifiers: ClinVar variation 43246 (VCV000043246.16), dbSNP rs72933642, ClinGen allele CA132332.
Genomic context (GRCh38, chr11:77,198,633, plus strand): 5'-TACTTCTGGAGCTGTCCTTCCCAGAGATCATGGCCGTGTCCAGCAGCAGGTGAGGAGGCC[C>G]GCATGGAGATGCAGACAGACAGAGGGGAAGGAGAGGGGCTGGAGCTTCCCTGCGGGTCAC-3'